The following is an entry in ClinVar:

ClinVar aggregate classification (germline): Likely benign (0 of 4 stars; one submission).

Conditions:
LEPR-related disorder. Also called: LEPR-related condition; LEPR-related disorders.

Submission:

PreventionGenetics, part of Exact Sciences
Classification: Likely benign for LEPR-related condition. Last evaluated: 2024-02-22. Review status: no assertion criteria provided. Collection method: clinical testing. Allele origin: germline.
Comment: This variant is classified as likely benign based on ACMG/AMP sequence variant interpretation guidelines (Richards et al. 2015 PMID: 25741868, with internal and published modifications).

NM_002303.6(LEPR):c.1449T>C (p.Ser483=)

Gene: LEPR (leptin receptor; plus strand). Cytogenetic location: 1p31.3.
Variant type: single nucleotide variant.
Coding change: c.1449T>C on transcript NM_002303.6 (MANE Select); coding-DNA position 1449, T replaced by C.
Protein change: p.Ser483=; no amino-acid change (serine 483 retained).
Molecular consequence: synonymous variant.
Genome position (GRCh38, 1-based): chr1:65,605,083, T>C. VCF-style: chr1-65605083-T-C. GRCh37 (hg19) VCF-style: chr1-66070766-T-C.
Other names: c.1449T>C, p.Ser483= (NM_001003679.3, NM_001003680.3, NM_001198687.2 and 2 more transcripts).
Identifiers: ClinVar variation 3349191 (VCV003349191.1).
Genomic context (GRCh38, chr1:65,605,083, plus strand): 5'-TTGTATCTTTTAAAGGAGCAGCCTTTACTGTTCTGATATTCCATCTATTCATCCCATATC[T>C]GAGCCCAAAGATTGCTATTTGCAGAGTGATGGTTTTTATGAATGCATTTTCCAGCCAATC-3'
Protein context (NP_002294.2, residues 473-493): CSDIPSIHPI[Ser483=]EPKDCYLQSD